The following is an entry in ClinVar:

NM_002299.4(LCT):c.3350A>G (p.Lys1117Arg)

Gene: LCT (lactase; minus strand). Cytogenetic location: 2q21.3.
Variant type: single nucleotide variant.
Coding change: c.3350A>G on transcript NM_002299.4 (MANE Select); coding-DNA position 3350, A replaced by G.
Protein change: p.Lys1117Arg; replaces lysine 1117 with arginine.
Molecular consequence: missense variant.
Genome position (GRCh38, 1-based): chr2:135,808,997, T>C on the plus strand (A>G on the coding strand, the complement: LCT is on the minus strand). VCF-style: chr2-135808997-T-C. GRCh37 (hg19) VCF-style: chr2-136566567-T-C.
Other names: short protein forms K1117R.
Identifiers: ClinVar variation 1437227 (VCV001437227.3), dbSNP rs2105533627, ClinGen allele CA348599841.

ClinVar aggregate classification (germline): Uncertain significance (1 of 4 stars; one submission).

Submission:

Labcorp Genetics (formerly Invitae), Labcorp
Classification: Uncertain significance. Last evaluated: 2021-09-10. Review status: criteria provided, single submitter. Criteria: Invitae Variant Classification Sherloc (09022015). Collection method: clinical testing. Allele origin: germline.
Comment: This sequence change replaces lysine with arginine at codon 1117 of the LCT protein (p.Lys1117Arg). The lysine residue is moderately conserved and there is a small physicochemical difference between lysine and arginine. This variant is not present in population databases (ExAC no frequency). This variant has not been reported in the literature in individuals affected with LCT-related conditions. Algorithms developed to predict the effect of missense changes on protein structure and function are either unavailable or do not agree on the potential impact of this missense change (SIFT: "Not Available"; PolyPhen-2: "Benign"; Align-GVGD: "Not Available"). In summary, the available evidence is currently insufficient to determine the role of this variant in disease. Therefore, it has been classified as a Variant of Uncertain Significance.